The following is an entry in ClinVar:

ClinVar aggregate classification (germline): Uncertain significance. Review status: criteria provided, single submitter (1 of 4 stars). 2 submissions from 2 submitters: Uncertain significance (1). 1 of the submissions does not count toward it. Last evaluated 2018-09-25.

Conditions:
BBS9-related disorder. Also called: BBS9-related condition.

Submissions (2):

Blueprint Genetics
Classification: Uncertain significance. Last evaluated: 2018-09-25. Review status: criteria provided, single submitter. Criteria: ACMG Guidelines, 2015. Collection method: clinical testing. Allele origin: germline.

PreventionGenetics, part of Exact Sciences
Classification: Uncertain significance for BBS9-related condition. Last evaluated: 2024-06-30. Review status: no assertion criteria provided. Collection method: clinical testing. Allele origin: germline. Not counted in ClinVar's aggregate classification.
Comment: The BBS9 c.1381G>A variant is predicted to result in the amino acid substitution p.Val461Met. To our knowledge, this variant has not been reported in the literature. This variant is reported in 0.0054% of alleles in individuals of East Asian descent in gnomAD. At this time, the clinical significance of this variant is uncertain due to the absence of conclusive functional and genetic evidence.

NM_198428.3(BBS9):c.1381G>A (p.Val461Met)

Gene: BBS9 (Bardet-Biedl syndrome 9; plus strand). Cytogenetic location: 7p14.3.
Variant type: single nucleotide variant.
Coding change: c.1381G>A on transcript NM_198428.3 (MANE Select); coding-DNA position 1381, G replaced by A.
Protein change: p.Val461Met; replaces valine 461 with methionine.
Molecular consequence: missense variant. On other transcripts: non-coding transcript variant (3).
Genome position (GRCh38, 1-based): chr7:33,349,119, G>A. VCF-style: chr7-33349119-G-A. GRCh37 (hg19) VCF-style: chr7-33388731-G-A.
Other names: c.1381G>A, p.Val461Met (NM_001033604.2, NM_001033605.2, NM_001348036.1 and 5 more transcripts); c.1015G>A, p.Val339Met (NM_001348037.3, NM_001348044.3, NM_001348045.3 and 1 more transcripts); c.1108G>A, p.Val370Met (NM_001348038.3, NM_001348039.3); c.1246G>A, p.Val416Met (NM_001348042.3); short protein forms V339M, V370M, V416M, V461M.
Identifiers: ClinVar variation 3356139 (VCV003356139.2).